The following is an entry in ClinVar:

NM_000038.6(APC):c.544del (p.Thr182fs)

Gene: APC (APC regulator of Wnt signaling pathway; plus strand). Cytogenetic location: 5q22.2.
Variant type: Deletion.
Coding change: c.544del on transcript NM_000038.6 (MANE Select); coding-DNA position 544, one base deleted (A; older notation c.544delA).
Protein change: p.Thr182fs; shifts the reading frame from threonine 182.
Molecular consequence: frameshift variant. On other transcripts: 5 prime UTR variant (4), non-coding transcript variant (2).
Genome position (GRCh38, 1-based): chr5:112,780,802, A deleted; the last of 3 consecutive A bases (chr5:112,780,800-112,780,802); deleting any one gives the same sequence. VCF-style (leftmost placement, unchanged base first): chr5-112780799-CA-C. GRCh37 (hg19) VCF-style: chr5-112116496-CA-C.
Other names: c.544del, p.Thr182fs (NM_001127510.3, NM_001354895.2, NM_001354896.2 and 16 more transcripts); c.574del, p.Thr192fs (NM_001127511.3, NM_001354897.2, NM_001354902.2 and 1 more transcripts); c.469del, p.Thr157fs (NM_001354898.2, NM_001354904.2, NM_001407451.1); c.367del, p.Thr123fs (NM_001354900.2, NM_001354901.2, NM_001354905.2 and 1 more transcripts); c.-492del (NM_001354906.2, NM_001407470.1, NM_001407471.1 and 1 more transcripts); short protein forms T123fs, T157fs, T182fs, T192fs.
Identifiers: ClinVar variation 2583209 (VCV002583209.1), dbSNP rs2532485134, ClinGen allele CA2582341595.

ClinVar aggregate classification (germline): Pathogenic (1 of 4 stars; one submission).

Conditions:
Familial adenomatous polyposis 1 (FAP1). Also called: POLYPOSIS, ADENOMATOUS INTESTINAL; FAMILIAL ADENOMATOUS POLYPOSIS 1, ATTENUATED. Identifiers: MedGen C2713442, MONDO:0021056, OMIM 175100. Disease mechanism: loss of function.

Submission:

Myriad Genetics, Inc.
Classification: Pathogenic for Familial adenomatous polyposis 1. Last evaluated: 2023-04-26. Review status: criteria provided, single submitter. Criteria: Myriad Autosomal Dominant, Autosomal Recessive and X-Linked Classification Criteria (2023). Collection method: clinical testing. Allele origin: unknown.
Comment: This variant is considered pathogenic. This variant creates a frameshift predicted to result in premature protein truncation.